The following is an entry in ClinVar:

NM_015559.3(SETBP1):c.1514C>G (p.Thr505Arg)

Gene: SETBP1 (SET binding protein 1; plus strand). Cytogenetic location: 18q12.3.
Variant type: single nucleotide variant.
Coding change: c.1514C>G on transcript NM_015559.3 (MANE Select); coding-DNA position 1514, C replaced by G.
Protein change: p.Thr505Arg; replaces threonine 505 with arginine.
Molecular consequence: missense variant.
Genome position (GRCh38, 1-based): chr18:44,950,854, C>G. VCF-style: chr18-44950854-C-G. GRCh37 (hg19) VCF-style: chr18-42530819-C-G.
Other names: c.1514C>G, p.Thr505Arg (NM_001379141.1, NM_001379142.1, NM_001410862.1); short protein forms T505R.
Identifiers: ClinVar variation 2706585 (VCV002706585.3), dbSNP rs2511468016, ClinGen allele CA402318686.

ClinVar aggregate classification (germline): Uncertain significance (1 of 4 stars; one submission).

Submission:

Labcorp Genetics (formerly Invitae), Labcorp
Classification: Uncertain significance. Last evaluated: 2023-12-30. Review status: criteria provided, single submitter. Criteria: Invitae Variant Classification Sherloc (09022015). Collection method: clinical testing. Allele origin: germline.
Comment: This sequence change replaces threonine, which is neutral and polar, with arginine, which is basic and polar, at codon 505 of the SETBP1 protein (p.Thr505Arg). This variant is not present in population databases (gnomAD no frequency). This variant has not been reported in the literature in individuals affected with SETBP1-related conditions. Advanced modeling of protein sequence and biophysical properties (such as structural, functional, and spatial information, amino acid conservation, physicochemical variation, residue mobility, and thermodynamic stability) performed at Invitae indicates that this missense variant is not expected to disrupt SETBP1 protein function with a negative predictive value of 80%. In summary, the available evidence is currently insufficient to determine the role of this variant in disease. Therefore, it has been classified as a Variant of Uncertain Significance.